The following is an entry in ClinVar:

NC_000001.10:g.(?_215914697)_(215916697_?)del

Gene: USH2A (usherin; minus strand). Cytogenetic location: 1q41.
Variant type: Deletion.
Identifiers: ClinVar variation 3248071 (VCV003248071.1).

ClinVar aggregate classification (germline): Pathogenic (1 of 4 stars; one submission).

Submission:

Labcorp Genetics (formerly Invitae), Labcorp
Classification: Pathogenic. Last evaluated: 2023-07-07. Review status: criteria provided, single submitter. Criteria: Invitae Variant Classification Sherloc (09022015). Collection method: clinical testing. Allele origin: unknown.
Comment: A similar copy number variant has been observed in individual(s) with retinitis pigmentosa (PMID: 32531858). This variant is a gross deletion of the genomic region encompassing exon(s) 59-60 of the USH2A gene. This deletion is out-of-frame, and is expected to create a premature termination codon and result in an absent or disrupted protein product. Loss-of-function variants in USH2A are known to be pathogenic (PMID: 10729113, 10909849, 20507924, 25649381). For these reasons, this variant has been classified as Pathogenic.

Literature cited by the submitters: PubMed 32531858; PubMed 10729113; PubMed 10909849; PubMed 20507924; PubMed 25649381.